The following is an entry in ClinVar:

NM_144563.3(RPIA):c.513C>T (p.Leu171=)

Gene: RPIA (ribose 5-phosphate isomerase A; plus strand). Cytogenetic location: 2p11.2.
Variant type: single nucleotide variant.
Coding change: c.513C>T on transcript NM_144563.3 (MANE Select); coding-DNA position 513, C replaced by T.
Protein change: p.Leu171=; no amino-acid change (leucine 171 retained).
Molecular consequence: synonymous variant.
Genome position (GRCh38, 1-based): chr2:88,734,602, C>T. VCF-style: chr2-88734602-C-T. GRCh37 (hg19) VCF-style: chr2-89034119-C-T.
Identifiers: ClinVar variation 731489 (VCV000731489.12), dbSNP rs201100283, ClinGen allele CA1755239.

ClinVar aggregate classification (germline): Benign/Likely benign. Review status: criteria provided, multiple submitters, no conflicts (2 of 4 stars). 3 submissions from 3 submitters: Benign (2); Likely benign (1). Last evaluated 2026-06-01.

Allele frequency attached by ClinVar (database versions not stated): gnomAD exomes 0.00010 and 0.00051; gnomAD 0.00011 and 0.00012; 1000 Genomes Project 30x 0.00016; 1000 Genomes Project 0.00020; TOPMed 0.00023; ExAC 0.00045.
gnomAD v4.1: 153 of 1,614,144 alleles (0.0095%); highest among the groups gnomAD compares: Admixed American, 0.25%; 1 homozygote.

Submissions (3):

CeGaT Center for Human Genetics Tuebingen
Classification: Likely benign. Last evaluated: 2026-06-01. Review status: criteria provided, single submitter. Criteria: CeGaT Center For Human Genetics Tuebingen Variant Classification Criteria Version 2. Collection method: clinical testing. Allele origin: germline. Affected: yes. Observed: 1 variant allele.
Comment: RPIA: BP4, BP7

Labcorp Genetics (formerly Invitae), Labcorp
Classification: Benign. Last evaluated: 2026-01-26. Review status: criteria provided, single submitter. Criteria: Invitae Variant Classification Sherloc (09022015). Collection method: clinical testing. Allele origin: germline.

Breakthrough Genomics
Classification: Benign. Review status: criteria provided, single submitter. Criteria: ACMG Guidelines, 2015. Collection method: not provided. Allele origin: germline. Inheritance: Autosomal recessive inheritance. Affected: yes.